The following is an entry in ClinVar:

NM_001364905.1(LRBA):c.8468+5C>T

Gene: LRBA (LPS responsive beige-like anchor protein; minus strand). Cytogenetic location: 4q31.3.
Variant type: single nucleotide variant.
Coding change: c.8468+5C>T on transcript NM_001364905.1 (MANE Select); 5 bases into the intron after coding-DNA position 8468, C replaced by T.
Molecular consequence: intron variant.
Genome position (GRCh38, 1-based): chr4:150,277,848, G>A on the plus strand (C>T on the coding strand, the complement: LRBA is on the minus strand). VCF-style: chr4-150277848-G-A. GRCh37 (hg19) VCF-style: chr4-151199000-G-A.
Other names: c.8483+5C>T (NM_001367550.1, NM_001440431.1); c.8501+5C>T (NM_006726.5); c.8465+5C>T (NM_001199282.3); c.8516+5C>T (NM_001440430.1); c.2186+5C>T (NM_001440432.1); c.2180+5C>T (NM_001440433.1).
Identifiers: ClinVar variation 1060063 (VCV001060063.7), dbSNP rs2126741711, ClinGen allele CA2499217111.
Genomic context (GRCh38, chr4:150,277,848, plus strand): 5'-CAACACGACCAGTCCCCTCTGCAGTTTTTGAAACCCCTATTTGTAGCCCATGATTCCAGT[G>A]TTACCTCTGGTCGTAAGACAGCGCCATGGCCCGGATTCCAGCGTCACATCCTGGATAGGC-3'

ClinVar aggregate classification (germline): Uncertain significance (1 of 4 stars; one submission).

Conditions:
Combined immunodeficiency due to LRBA deficiency. Also called: Common variable immunodeficiency 8, with autoimmunity. Identifiers: Orphanet 445018, MedGen C3553512, MONDO:0013863, OMIM 614700.

Submission:

Labcorp Genetics (formerly Invitae), Labcorp
Classification: Uncertain significance for Combined immunodeficiency due to LRBA deficiency. Last evaluated: 2020-10-02. Review status: criteria provided, single submitter. Criteria: Invitae Variant Classification Sherloc (09022015). Collection method: clinical testing. Allele origin: germline.
Comment: This sequence change falls in intron 57 of the LRBA gene. It does not directly change the encoded amino acid sequence of the LRBA protein, but it affects a nucleotide within the consensus splice site of the intron. In summary, the available evidence is currently insufficient to determine the role of this variant in disease. Therefore, it has been classified as a Variant of Uncertain Significance. Nucleotide substitutions within the consensus splice site are a relatively common cause of aberrant splicing (PMID: 17576681, 9536098). Algorithms developed to predict the effect of sequence changes on RNA splicing suggest that this variant is not likely to affect RNA splicing, but this prediction has not been confirmed by published transcriptional studies. This variant has not been reported in the literature in individuals with LRBA-related conditions. This variant is not present in population databases (ExAC no frequency).

Literature cited by the submitters: PubMed 17576681; PubMed 9536098.